The following is an entry in ClinVar:

ClinVar aggregate classification (germline): Uncertain significance (1 of 4 stars; one submission).

Allele frequency attached by ClinVar (database versions not stated): TOPMed 0.00001; gnomAD 0.00006.

Submission:

GeneDx
Classification: Uncertain significance. Last evaluated: 2017-10-04. Review status: criteria provided, single submitter. Criteria: GeneDx Variant Classification (06012015). Collection method: clinical testing. Allele origin: germline. Affected: yes.
Comment: The D723H variant has not been published as a pathogenic variant, nor has it been reported as a benign variant to our knowledge. The D723H variant is observed in 2/18740 (0.01%) alleles from individuals of East Asian background (Lek et al., 2016). The D723H variant is a non-conservative amino acid substitution, which is likely to impact secondary protein structure as these residues differ in polarity, charge, size and/or other properties. This substitution occurs at a position that is conserved in mammals, and in silico analysis predicts this variant is probably damaging to the protein structure/function. Based on the currently available information, it is unclear whether this variant is a pathogenic variant or a rare benign variant.

NM_004933.3(CDH15):c.2167G>C (p.Asp723His)

Gene: CDH15 (cadherin 15; plus strand). Cytogenetic location: 16q24.3.
Variant type: single nucleotide variant.
Coding change: c.2167G>C on transcript NM_004933.3 (MANE Select); coding-DNA position 2167, G replaced by C.
Protein change: p.Asp723His; replaces aspartic acid 723 with histidine.
Molecular consequence: missense variant.
Genome position (GRCh38, 1-based): chr16:89,194,877, G>C. VCF-style: chr16-89194877-G-C. GRCh37 (hg19) VCF-style: chr16-89261285-G-C.
Other names: short protein forms D723H.
Identifiers: ClinVar variation 421822 (VCV000421822.2), dbSNP rs757698021, ClinGen allele CA16620299.